The following is an entry in ClinVar:

ClinVar aggregate classification (germline): Uncertain significance (1 of 4 stars; one submission).

Submission:

GeneDx
Classification: Uncertain significance. Last evaluated: 2024-07-11. Review status: criteria provided, single submitter. Criteria: GeneDx Variant Classification Process June 2021. Collection method: clinical testing. Allele origin: germline. Affected: yes.
Comment: Not observed at significant frequency in large population cohorts (gnomAD); In silico analysis supports that this missense variant has a deleterious effect on protein structure/function; Has not been previously published as pathogenic or benign to our knowledge

NM_003128.3(SPTBN1):c.935C>T (p.Ser312Phe)

Gene: SPTBN1 (spectrin beta, non-erythrocytic 1; plus strand). Cytogenetic location: 2p16.2.
Variant type: single nucleotide variant.
Coding change: c.935C>T on transcript NM_003128.3 (MANE Select); coding-DNA position 935, C replaced by T.
Protein change: p.Ser312Phe; replaces serine 312 with phenylalanine.
Molecular consequence: missense variant.
Genome position (GRCh38, 1-based): chr2:54,622,358, C>T. VCF-style: chr2-54622358-C-T. GRCh37 (hg19) VCF-style: chr2-54849495-C-T.
Other names: c.896C>T, p.Ser299Phe (NM_178313.3); short protein forms S299F, S312F.
Identifiers: ClinVar variation 3572675 (VCV003572675.1).